The following is an entry in ClinVar:

ClinVar aggregate classification (germline): Uncertain significance (1 of 4 stars; one submission).

Conditions:
Inborn genetic diseases. Identifiers: MedGen C0950123, MeSH D030342.

gnomAD v4.1: 3 of 1,613,892 alleles (0.00019%); highest among the groups gnomAD compares: Non-Finnish European, 0.00025%; no homozygotes.

Submission:

Ambry Genetics
Classification: Uncertain significance for Inborn genetic diseases. Last evaluated: 2025-02-24. Review status: criteria provided, single submitter. Criteria: Ambry Variant Classification Scheme 2023. Collection method: clinical testing. Allele origin: germline.
Comment: The p.I51V variant (also known as c.151A>G), located in coding exon 2 of the BMPR2 gene, results from an A to G substitution at nucleotide position 151. The isoleucine at codon 51 is replaced by valine, an amino acid with highly similar properties. This amino acid position is conserved. In addition, the in silico prediction for this alteration is inconclusive. Based on the available evidence, the clinical significance of this variant remains unclear.

NM_001204.7(BMPR2):c.151A>G (p.Ile51Val)

Gene: BMPR2 (bone morphogenetic protein receptor type 2; plus strand). Cytogenetic location: 2q33.1.
Variant type: single nucleotide variant.
Coding change: c.151A>G on transcript NM_001204.7 (MANE Select); coding-DNA position 151, A replaced by G.
Protein change: p.Ile51Val; replaces isoleucine 51 with valine.
Molecular consequence: missense variant.
Genome position (GRCh38, 1-based): chr2:202,464,883, A>G. VCF-style: chr2-202464883-A-G. GRCh37 (hg19) VCF-style: chr2-203329606-A-G.
Other names: short protein forms I51V.
Identifiers: ClinVar variation 3824925 (VCV003824925.1).